The following is an entry in ClinVar:

NM_025150.5(TARS2):c.900G>C (p.Arg300=)

Gene: TARS2 (threonyl-tRNA synthetase 2, mitochondrial; plus strand). Cytogenetic location: 1q21.2.
Variant type: single nucleotide variant.
Coding change: c.900G>C on transcript NM_025150.5 (MANE Select); coding-DNA position 900, G replaced by C.
Protein change: p.Arg300=; no amino-acid change (arginine 300 retained).
Molecular consequence: synonymous variant. On other transcripts: non-coding transcript variant (1), intron variant (2).
Genome position (GRCh38, 1-based): chr1:150,496,607, G>C. VCF-style: chr1-150496607-G-C. GRCh37 (hg19) VCF-style: chr1-150469083-G-C.
Other names: c.775-923G>C (NM_001271895.2); c.631-923G>C (NM_001271896.2).
Identifiers: ClinVar variation 682524 (VCV000682524.42), dbSNP rs775382225, ClinGen allele CA1076831.

ClinVar aggregate classification (germline): Likely benign. Review status: criteria provided, multiple submitters, no conflicts (2 of 4 stars). 3 submissions from 3 submitters: Likely benign (3). Last evaluated 2025-04-11.

Allele frequency attached by ClinVar (database versions not stated): TOPMed 0.00003; gnomAD 0.00004 and 0.00008; gnomAD exomes 0.00027; ExAC 0.00032.
gnomAD v4.1: 217 of 1,613,616 alleles (0.013%); highest among the groups gnomAD compares: South Asian, 0.19%; 2 homozygotes.

Submissions (3):

Labcorp Genetics (formerly Invitae), Labcorp
Classification: Likely benign. Last evaluated: 2025-04-11. Review status: criteria provided, single submitter. Criteria: Invitae Variant Classification Sherloc (09022015). Collection method: clinical testing. Allele origin: germline.

CeGaT Center for Human Genetics Tuebingen
Classification: Likely benign. Last evaluated: 2023-01-01. Review status: criteria provided, single submitter. Criteria: CeGaT Center For Human Genetics Tuebingen Variant Classification Criteria Version 2. Collection method: clinical testing. Allele origin: germline. Affected: yes. Observed: 2 variant alleles.
Comment: TARS2: BP4, BP7

GeneDx
Classification: Likely benign. Last evaluated: 2018-05-17. Review status: criteria provided, single submitter. Criteria: GeneDx Variant Classification (06012015). Collection method: clinical testing. Allele origin: germline. Affected: yes.
Comment: This variant is considered likely benign or benign based on one or more of the following criteria: it is a conservative change, it occurs at a poorly conserved position in the protein, it is predicted to be benign by multiple in silico algorithms, and/or has population frequency not consistent with disease.